The following is an entry in ClinVar:

NM_018669.6(WDR4):c.183C>G (p.Ser61Arg)

Gene: WDR4 (WDR4 tRNA N7-guanosine methyltransferase non-catalytic subunit; minus strand). Cytogenetic location: 21q22.3.
Variant type: single nucleotide variant.
Coding change: c.183C>G on transcript NM_018669.6 (MANE Select); coding-DNA position 183, C replaced by G.
Protein change: p.Ser61Arg; replaces serine 61 with arginine.
Molecular consequence: missense variant. On other transcripts: 5 prime UTR variant (3), non-coding transcript variant (1).
Genome position (GRCh38, 1-based): chr21:42,873,664, G>C on the plus strand (C>G on the coding strand, the complement: WDR4 is on the minus strand). VCF-style: chr21-42873664-G-C. GRCh37 (hg19) VCF-style: chr21-44293774-G-C.
Other names: c.183C>G, p.Ser61Arg (NM_001260474.2, NM_033661.5); c.-204C>G (NM_001260475.2, NM_001260476.2, NM_001260477.2 and 1 more transcripts); c.183C>G (NM_018669.4); short protein forms S61R.
Identifiers: ClinVar variation 2171312 (VCV002171312.4), dbSNP rs377268812, ClinGen allele CA10046227.

ClinVar aggregate classification (germline): Uncertain significance. Review status: criteria provided, multiple submitters, no conflicts (2 of 4 stars). 2 submissions from 2 submitters: Uncertain significance (2). Last evaluated 2024-11-05.

Conditions:
Inborn genetic diseases. Identifiers: MedGen C0950123, MeSH D030342.

gnomAD v4.1: 13 of 1,614,042 alleles (0.00081%); highest among the groups gnomAD compares: Admixed American, 0.02%; no homozygotes.

Submissions (2):

Labcorp Genetics (formerly Invitae), Labcorp
Classification: Uncertain significance. Last evaluated: 2024-11-05. Review status: criteria provided, single submitter. Criteria: Invitae Variant Classification Sherloc (09022015). Collection method: clinical testing. Allele origin: germline.
Comment: This sequence change replaces serine, which is neutral and polar, with arginine, which is basic and polar, at codon 61 of the WDR4 protein (p.Ser61Arg). This variant is present in population databases (rs377268812, gnomAD 0.03%). This variant has not been reported in the literature in individuals affected with WDR4-related conditions. ClinVar contains an entry for this variant (Variation ID: 2171312). Invitae Evidence Modeling of protein sequence and biophysical properties (such as structural, functional, and spatial information, amino acid conservation, physicochemical variation, residue mobility, and thermodynamic stability) indicates that this missense variant is not expected to disrupt WDR4 protein function with a negative predictive value of 80%. In summary, the available evidence is currently insufficient to determine the role of this variant in disease. Therefore, it has been classified as a Variant of Uncertain Significance.

Ambry Genetics
Classification: Uncertain significance for Inborn genetic diseases. Last evaluated: 2024-02-28. Review status: criteria provided, single submitter. Criteria: Ambry Variant Classification Scheme 2023. Collection method: clinical testing. Allele origin: germline.